The following is an entry in ClinVar:

NM_001370259.2(MEN1):c.274del (p.Arg92fs)

Gene: MEN1 (menin 1; minus strand). Cytogenetic location: 11q13.1.
Variant type: Deletion.
Coding change: c.274del on transcript NM_001370259.2 (MANE Select); coding-DNA position 274, one base deleted (C; older notation c.274delC).
Protein change: p.Arg92fs; shifts the reading frame from arginine 92.
Molecular consequence: frameshift variant.
Genome position (GRCh38, 1-based): chr11:64,809,836, G deleted on the plus strand (C on the coding strand, the reverse complement: MEN1 is on the minus strand); the first of 3 consecutive G bases (chr11:64,809,836-64,809,838); deleting any one gives the same sequence. VCF-style (leftmost placement, unchanged base first): chr11-64809835-CG-C. GRCh37 (hg19) VCF-style: chr11-64577307-CG-C.
Other names: c.274del, p.Arg92fs (NM_000244.4, NM_001370251.2, NM_001370260.2 and 9 more transcripts); c.274delC (NM_130799.2); short protein forms R92fs.
Identifiers: ClinVar variation 1677159 (VCV001677159.5), dbSNP rs2136186754, ClinGen allele CA2573147364.

ClinVar aggregate classification (germline): Pathogenic/Likely pathogenic. Review status: criteria provided, multiple submitters, no conflicts (2 of 4 stars). 2 submissions from 2 submitters: Pathogenic (1); Likely pathogenic (1). Last evaluated 2023-03-24.

Conditions:
Multiple endocrine neoplasia, type 1 (MEN1). Also called: MEA I; MEN I; WERMER SYNDROME; Endocrine adenomatosis multiple; MEN 1. Identifiers: Orphanet 652, MedGen C0025267, MeSH D018761, MONDO:0007540, OMIM 131100.

Submissions (2):

Labcorp Genetics (formerly Invitae), Labcorp
Classification: Pathogenic for Multiple endocrine neoplasia, type 1. Last evaluated: 2023-03-24. Review status: criteria provided, single submitter. Criteria: Invitae Variant Classification Sherloc (09022015). Collection method: clinical testing. Allele origin: germline.
Comment: This sequence change creates a premature translational stop signal (p.Arg92Alafs*27) in the MEN1 gene. It is expected to result in an absent or disrupted protein product. Loss-of-function variants in MEN1 are known to be pathogenic (PMID: 12112656, 17853334). This variant is not present in population databases (gnomAD no frequency). This premature translational stop signal has been observed in individual(s) with multiple endocrine neoplasia type 1 (PMID: 12112656). This variant is also known as c.382delC. ClinVar contains an entry for this variant (Variation ID: 1677159). For these reasons, this variant has been classified as Pathogenic.

Women's Health and Genetics/Laboratory Corporation of America, LabCorp
Classification: Likely pathogenic for Multiple endocrine neoplasia, type 1. Last evaluated: 2022-03-19. Review status: criteria provided, single submitter. Criteria: LabCorp Variant Classification Summary - May 2015. Collection method: clinical testing. Allele origin: germline.
Comment: Variant summary: MEN1 c.274delC (p.Arg92AlafsX27) results in a premature termination codon, predicted to cause a truncation of the encoded protein or absence of the protein due to nonsense mediated decay, which are commonly known mechanisms for disease. Truncations downstream of this position have been classified as pathogenic by our laboratory. The variant was absent in 249024 control chromosomes. c.274delC has been reported in the literature as 377delC leading to premature stop amino acid substitution at 119 (exon 2) in at-least one individual affected with Multiple Endocrine Neoplasia Type 1 (example, Wautot_2002). To our knowledge, no experimental evidence demonstrating an impact on protein function has been reported. No clinical diagnostic laboratories have submitted clinical-significance assessments for this variant to ClinVar after 2014. Based on the evidence outlined above, the variant was classified as likely pathogenic.

Literature cited by the submitters: PubMed 12112656 (cited by Labcorp Genetics (formerly Invitae), Labcorp and Women's Health and Genetics/Laboratory Corporation of America, LabCorp); PubMed 17853334 (cited by Labcorp Genetics (formerly Invitae), Labcorp).